The following is an entry in ClinVar:

ClinVar aggregate classification (germline): Uncertain significance (1 of 4 stars; one submission).

Conditions:
Cobblestone lissencephaly without muscular or ocular involvement. Also called: Lissencephaly 5; LEUKOENCEPHALOPATHY WITH VARIABLE CORTICAL BRAIN MALFORMATIONS AND/OR HYDROCEPHALUS. Identifiers: Orphanet 352682, MedGen C3554657, MONDO:0014077, OMIM 615191.

gnomAD v4.1: 60 of 1,606,076 alleles (0.0037%); highest among the groups gnomAD compares: South Asian, 0.066%; 1 homozygote.

Submission:

MVZ Medizinische Genetik Mainz
Classification: Uncertain significance for Cobblestone lissencephaly without muscular or ocular involvement. Last evaluated: 2026-04-30. Review status: criteria provided, single submitter. Criteria: UK Practice Guidelines For Variant Classification V4 01 2020. Collection method: clinical testing. Allele origin: germline. Inheritance: Autosomal recessive inheritance. Affected: yes. Observed: 1 variant allele.
Comment: ACMG Criteria: PM3,PM2_SUP; Compound Heterozygote

NM_002291.3(LAMB1):c.701G>T (p.Arg234Ile)

Gene: LAMB1 (laminin subunit beta 1; minus strand). Cytogenetic location: 7q31.1.
Variant type: single nucleotide variant.
Coding change: c.701G>T on transcript NM_002291.3 (MANE Select); coding-DNA position 701, G replaced by T.
Protein change: p.Arg234Ile; replaces arginine 234 with isoleucine.
Molecular consequence: missense variant.
Genome position (GRCh38, 1-based): chr7:107,980,787, C>A on the plus strand (G>T on the coding strand, the complement: LAMB1 is on the minus strand). VCF-style: chr7-107980787-C-A. GRCh37 (hg19) VCF-style: chr7-107621232-C-A.
Other names: short protein forms R234I.
Identifiers: ClinVar variation 4852374 (VCV004852374.1).